The following is an entry in ClinVar:

ClinVar aggregate classification (germline): Likely pathogenic (1 of 4 stars; one submission).

Allele frequency attached by ClinVar (database versions not stated): ExAC 0.00001.
gnomAD v4.1: 2 of 1,614,098 alleles (0.00012%); highest among the groups gnomAD compares: South Asian, 0.0022%; no homozygotes.

Submission:

Labcorp Genetics (formerly Invitae), Labcorp
Classification: Likely pathogenic. Last evaluated: 2022-11-29. Review status: criteria provided, single submitter. Criteria: Invitae Variant Classification Sherloc (09022015). Collection method: clinical testing. Allele origin: germline.
Comment: In summary, the currently available evidence indicates that the variant is pathogenic, but additional data are needed to prove that conclusively. Therefore, this variant has been classified as Likely Pathogenic. This variant disrupts the p.Gly763 amino acid residue in USH2A. Other variant(s) that disrupt this residue have been determined to be pathogenic (PMID: 25649381, 27460420). This suggests that this residue is clinically significant, and that variants that disrupt this residue are likely to be disease-causing. Advanced modeling of protein sequence and biophysical properties (such as structural, functional, and spatial information, amino acid conservation, physicochemical variation, residue mobility, and thermodynamic stability) performed at Invitae indicates that this missense variant is expected to disrupt USH2A protein function. This variant has not been reported in the literature in individuals affected with USH2A-related conditions. This variant is present in population databases (rs781195579, gnomAD 0.003%). This sequence change replaces glycine, which is neutral and non-polar, with valine, which is neutral and non-polar, at codon 4763 of the USH2A protein (p.Gly4763Val).

Literature cited by the submitters: PubMed 25649381; PubMed 27460420.

NM_206933.4(USH2A):c.14288G>T (p.Gly4763Val)

Gene: USH2A (usherin; minus strand). Cytogenetic location: 1q41.
Variant type: single nucleotide variant.
Coding change: c.14288G>T on transcript NM_206933.4 (MANE Select); coding-DNA position 14288, G replaced by T.
Protein change: p.Gly4763Val; replaces glycine 4763 with valine.
Molecular consequence: missense variant.
Genome position (GRCh38, 1-based): chr1:215,650,647, C>A on the plus strand (G>T on the coding strand, the complement: USH2A is on the minus strand). VCF-style: chr1-215650647-C-A. GRCh37 (hg19) VCF-style: chr1-215823989-C-A.
Other names: short protein forms G4763V.
Identifiers: ClinVar variation 2881359 (VCV002881359.3), dbSNP rs781195579, ClinGen allele CA1393071.